The following is an entry in ClinVar:

ClinVar aggregate classification (germline): Benign/Likely benign. Review status: criteria provided, multiple submitters, no conflicts (2 of 4 stars). 6 submissions from 6 submitters: Benign (4); Likely benign (1). 1 of the submissions does not count toward it. Last evaluated 2026-01-28.

Conditions:
Cardiovascular phenotype. Identifiers: MedGen CN230736.
Alstrom syndrome (ALMS). Identifiers: Orphanet 64, MedGen C0268425, MONDO:0008763, OMIM 203800.

Allele frequency attached by ClinVar (database versions not stated): ESP Exome Variant Server 0.00025; gnomAD 0.00076; TOPMed 0.00106; ExAC 0.00118; 1000 Genomes Project 30x 0.00250; 1000 Genomes Project 0.00280.
gnomAD v4.1: 656 of 1,613,970 alleles (0.041%); highest among the groups gnomAD compares: East Asian, 1.1%; 3 homozygotes.

Submissions (6):

Labcorp Genetics (formerly Invitae), Labcorp
Classification: Benign for Alstrom syndrome. Last evaluated: 2026-01-28. Review status: criteria provided, single submitter. Criteria: Invitae Variant Classification Sherloc (09022015). Collection method: clinical testing. Allele origin: germline.

Women's Health and Genetics/Laboratory Corporation of America, LabCorp
Classification: Likely benign. Last evaluated: 2025-02-09. Review status: criteria provided, single submitter. Criteria: LabCorp Variant Classification Summary - May 2015. Collection method: clinical testing. Allele origin: germline.

Ambry Genetics
Classification: Benign for Cardiovascular phenotype. Last evaluated: 2019-06-13. Review status: criteria provided, single submitter. Criteria: Ambry Variant Classification Scheme 2023. Collection method: clinical testing. Allele origin: germline.

GeneDx
Classification: Benign. Last evaluated: 2018-10-02. Review status: criteria provided, single submitter. Criteria: GeneDx Variant Classification Process June 2021. Collection method: clinical testing. Allele origin: germline. Affected: yes.

Laboratory for Molecular Medicine, Mass General Brigham Personalized Medicine
Classification: Benign. Last evaluated: 2016-03-21. Review status: criteria provided, single submitter. Criteria: LMM Criteria. Collection method: clinical testing. Allele origin: germline. Observed: 1 variant allele.
Comment: p.Ala2972Ala in exon 10 of ALMS1: This variant is not expected to have clinical significance because it does not alter an amino acid residue, is not located within the splice consensus sequence, and has been identified in 1.45% (125/8626) of East Asian chromosomes by the Exome Aggregation Consortium (ExAC; dbSNP rs116854981).

Natera, Inc.
Classification: Benign for Alstrom syndrome. Last evaluated: 2019-12-12. Review status: no assertion criteria provided. Collection method: clinical testing. Allele origin: germline. Not counted in ClinVar's aggregate classification.

NM_001378454.1(ALMS1):c.8919G>A (p.Ala2973=)

Gene: ALMS1 (ALMS1 centrosome and basal body associated protein; plus strand). Cytogenetic location: 2p13.1.
Variant type: single nucleotide variant.
Coding change: c.8919G>A on transcript NM_001378454.1 (MANE Select); coding-DNA position 8919, G replaced by A.
Protein change: p.Ala2973=; no amino-acid change (alanine 2973 retained).
Molecular consequence: synonymous variant.
Genome position (GRCh38, 1-based): chr2:73,490,878, G>A. VCF-style: chr2-73490878-G-A. GRCh37 (hg19) VCF-style: chr2-73718005-G-A.
Other names: c.8922G>A, p.Ala2974= (NM_015120.4).
Identifiers: ClinVar variation 241015 (VCV000241015.24), dbSNP rs116854981, ClinGen allele CA1714571.